The following is an entry in ClinVar:

ClinVar aggregate classification (germline): Uncertain significance. Review status: criteria provided, multiple submitters, no conflicts (2 of 4 stars). 2 submissions from 2 submitters: Uncertain significance (2). Last evaluated 2023-03-02.

gnomAD v4.1: 2 of 1,613,966 alleles (0.00012%); highest among the groups gnomAD compares: Non-Finnish European, 0.00017%; no homozygotes.

Submissions (2):

GeneDx
Classification: Uncertain significance. Last evaluated: 2023-03-02. Review status: criteria provided, single submitter. Criteria: GeneDx Variant Classification Process June 2021. Collection method: clinical testing. Allele origin: germline. Affected: yes.
Comment: Not observed at significant frequency in large population cohorts (gnomAD); In silico analysis supports that this missense variant has a deleterious effect on protein structure/function; Has not been previously published as pathogenic or benign to our knowledge

Labcorp Genetics (formerly Invitae), Labcorp
Classification: Uncertain significance. Last evaluated: 2022-01-19. Review status: criteria provided, single submitter. Criteria: Invitae Variant Classification Sherloc (09022015). Collection method: clinical testing. Allele origin: germline.
Comment: This variant has not been reported in the literature in individuals affected with POLE-related conditions. In summary, the available evidence is currently insufficient to determine the role of this variant in disease. Therefore, it has been classified as a Variant of Uncertain Significance. Algorithms developed to predict the effect of missense changes on protein structure and function output the following: SIFT: "Tolerated"; PolyPhen-2: "Benign"; Align-GVGD: "Class C0". The tyrosine amino acid residue is found in multiple mammalian species, which suggests that this missense change does not adversely affect protein function. ClinVar contains an entry for this variant (Variation ID: 1037356). This variant is not present in population databases (gnomAD no frequency). This sequence change replaces histidine, which is basic and polar, with tyrosine, which is neutral and polar, at codon 1356 of the POLE protein (p.His1356Tyr).

NM_006231.4(POLE):c.4066C>T (p.His1356Tyr)

Gene: POLE (DNA polymerase epsilon, catalytic subunit; minus strand). Cytogenetic location: 12q24.33.
Variant type: single nucleotide variant.
Coding change: c.4066C>T on transcript NM_006231.4 (MANE Select); coding-DNA position 4066, C replaced by T.
Protein change: p.His1356Tyr; replaces histidine 1356 with tyrosine.
Molecular consequence: missense variant.
Genome position (GRCh38, 1-based): chr12:132,649,012, G>A on the plus strand (C>T on the coding strand, the complement: POLE is on the minus strand). VCF-style: chr12-132649012-G-A. GRCh37 (hg19) VCF-style: chr12-133225598-G-A.
Other names: c.4066C>T (NM_006231.2); short protein forms H1356Y.
Identifiers: ClinVar variation 1037356 (VCV001037356.9), dbSNP rs557732922, ClinGen allele CA387383840.